The following is an entry in ClinVar:

NM_001134363.3(RBM20):c.2043T>A (p.Tyr681Ter)

Gene: RBM20 (RNA binding motif protein 20; plus strand). Cytogenetic location: 10q25.2.
Variant type: single nucleotide variant.
Coding change: c.2043T>A on transcript NM_001134363.3 (MANE Select); coding-DNA position 2043, T replaced by A.
Protein change: p.Tyr681Ter; replaces tyrosine 681 with a stop codon.
Molecular consequence: nonsense.
Genome position (GRCh38, 1-based): chr10:110,812,440, T>A. VCF-style: chr10-110812440-T-A. GRCh37 (hg19) VCF-style: chr10-112572198-T-A.
Other names: c.2043T>A (LRG_382t1); short protein forms Y681*.
Identifiers: ClinVar variation 523896 (VCV000523896.6), dbSNP rs376380567, ClinGen allele CA378371110.

ClinVar aggregate classification (germline): Conflicting classifications of pathogenicity. Review status: criteria provided, conflicting classifications (1 of 4 stars). 3 submissions from 3 submitters: Pathogenic (1); Uncertain significance (2). Last evaluated 2026-04-02.

Conditions:
Dilated cardiomyopathy 1DD (CMD1DD). Identifiers: Orphanet 154, MedGen C2750995, MONDO:0013168, OMIM 613172.
Cardiovascular phenotype. Identifiers: MedGen CN230736.

Submissions (3):

Ambry Genetics
Classification: Uncertain significance for Cardiovascular phenotype. Last evaluated: 2026-04-02. Review status: criteria provided, single submitter. Criteria: Ambry Variant Classification Scheme 2023. Collection method: clinical testing. Allele origin: germline.
Comment: The p.Y681* variant (also known as c.2043T>A), located in coding exon 9 of the RBM20 gene, results from a T to A substitution at nucleotide position 2043. This changes the amino acid from a tyrosine to a stop codon within coding exon 9. This variant is expected to result in protein truncation or nonsense-mediated mRNA decay. However, loss of function has not been established as a mechanism of disease. Based on the available evidence, the clinical significance of this variant remains unclear.

Labcorp Genetics (formerly Invitae), Labcorp
Classification: Pathogenic for Dilated cardiomyopathy 1DD. Last evaluated: 2025-11-21. Review status: criteria provided, single submitter. Criteria: Invitae Variant Classification Sherloc (09022015). Collection method: clinical testing. Allele origin: germline.
Comment: This sequence change creates a premature translational stop signal (p.Tyr681*) in the RBM20 gene. It is expected to result in an absent or disrupted protein product. Loss-of-function variants in RBM20 are known to be pathogenic (PMID: 20590677, 22004663, 38288598, 38510713, 40339755). This variant is not present in population databases (gnomAD no frequency). This variant has not been reported in the literature in individuals affected with RBM20-related conditions. ClinVar contains an entry for this variant (Variation ID: 523896). For these reasons, this variant has been classified as Pathogenic.

GeneDx
Classification: Uncertain significance. Last evaluated: 2018-04-30. Review status: criteria provided, single submitter. Criteria: GeneDx Variant Classification (06012015). Collection method: clinical testing. Allele origin: germline. Affected: yes.
Comment: The Y681X variant of uncertain significance in the RBM20 gene has not been reported as a pathogenic or benign to our knowledge. Y681X is predicted to cause loss of normal protein function either by protein truncation or nonsense-mediated mRNA decay. Furthermore, the Y681X variant is not observed in large population cohorts (Lek et al., 2016). Although, the spectrum of pathogenic RBM20 variants associated with DCM in humans has not been fully elucidated, studies in rats have shown that complete RBM20 deficiency or RBM20 haploinsufficiency, resulting from either homozygous or heterozygous loss of function pathogenic variants, respectively, interfere with titin gene splicing, alter the expression pattern of different titin isoforms, and result in cardiomyopathy with arrhythmia. Similarly, a missense variant in the human RBM20 gene was shown to alter the expression profile of titin isoforms in heart, suggesting a similar disease mechanism (Guo et al., 2012). Nevertheless, the majority of pathogenic RBM20 variants reported to date are missense changes; only two other loss-of-function variants in the RBM20 gene have been reported in association with DCM (Stenson et al., 2014).Therefore, based on the currently available information, it is unclear whether this variant is pathogenic or rare benign. This result cannot be interpreted for diagnosis or used for family member screening at this time.

Literature cited by the submitters: PubMed 20590677 (cited by Labcorp Genetics (formerly Invitae), Labcorp); PubMed 22004663 (cited by Labcorp Genetics (formerly Invitae), Labcorp); PubMed 38288598 (cited by Labcorp Genetics (formerly Invitae), Labcorp); PubMed 38510713 (cited by Labcorp Genetics (formerly Invitae), Labcorp); PubMed 40339755 (cited by Labcorp Genetics (formerly Invitae), Labcorp).